The following is an entry in ClinVar:

ClinVar aggregate classification (germline): Likely pathogenic (1 of 4 stars; one submission).

Conditions:
Hereditary cancer-predisposing syndrome. Also called: Tumor predisposition; Hereditary Cancer Syndrome; Hereditary neoplastic syndrome; Neoplastic Syndromes, Hereditary. Identifiers: Orphanet 140162, MedGen C0027672, MeSH D009386, MONDO:0015356.

Submission:

Ambry Genetics
Classification: Likely pathogenic for Hereditary cancer-predisposing syndrome. Last evaluated: 2025-11-17. Review status: criteria provided, single submitter. Criteria: Ambry Variant Classification Scheme 2023. Collection method: clinical testing. Allele origin: germline.
Comment: The c.668-13_670del16 variant results from a deletion of 16 nucleotides between positions 668-13 and 670 and involves the canonical splice acceptor site before coding exon 8 of the RAD51D gene. This variant is considered to be rare based on population cohorts in the Genome Aggregation Database (gnomAD). The canonical splice acceptor site is well conserved in available vertebrate species. In silico splice site analysis predicts that this alteration will weaken the native splice acceptor site; however, the exact impact of this deletion on splicing and function is currently unknown. Alterations that disrupt the canonical splice site are expected to cause aberrant splicing, resulting in an abnormal protein or a transcript that is subject to nonsense-mediated mRNA decay. As such, this alteration is classified as likely pathogenic.

NM_002878.4(RAD51D):c.668-13_670del

Genes: RAD51L3-RFFL (RAD51L3-RFFL readthrough; minus strand), RAD51D (RAD51 paralog D; minus strand). Cytogenetic location: 17q12.
Variant type: Deletion.
Coding change: c.668-13_670del on transcript NM_002878.4 (MANE Select); 13 bases into the intron before coding-DNA position 668 through coding-DNA position 670, 16 bases deleted (CCTCCTCCTGCAGGCT).
Molecular consequence: splice acceptor variant.
Genome position (GRCh38, 1-based): chr17:35,103,322-35,103,337, AGCCTGCAGGAGGAGG deleted on the plus strand (CCTCCTCCTGCAGGCT on the coding strand, the reverse complement: RAD51D is on the minus strand); deleting any 16 consecutive bases within chr17:35,103,322-35,103,339 gives the same sequence; the c. name uses the placement nearest the transcript's 3' end. VCF-style (leftmost placement, unchanged base first): chr17-35103321-AAGCCTGCAGGAGGAGG-A. GRCh37 (hg19) VCF-style: chr17-33430340-AAGCCTGCAGGAGGAGG-A.
Other names: c.332-13_334del (NM_133629.3); c.728-13_730del (NM_001142571.2).
Identifiers: ClinVar variation 4543242 (VCV004543242.1).
Genomic context (GRCh38, chr17:35,103,321, plus strand): 5'-GCCATGCCAAGGTCCCGGGCCAGGGTCTTCAGCTCTCGGGCCAGCTGCATCATCAAGGCC[AAGCCTGCAGGAGGAGG>A]AGAAGCAGAGAGGGAGGGCAGTGGGGAACCAGGGATGGGGCTGGCCAGAGACCAGACTCC-3'